The following is an entry in ClinVar:

ClinVar aggregate classification (germline): Uncertain significance (1 of 4 stars; one submission).

Submission:

Labcorp Genetics (formerly Invitae), Labcorp
Classification: Uncertain significance. Last evaluated: 2025-11-10. Review status: criteria provided, single submitter. Criteria: Invitae Variant Classification Sherloc (09022015). Collection method: clinical testing. Allele origin: germline.
Comment: This sequence change replaces aspartic acid, which is acidic and polar, with histidine, which is basic and polar, at codon 30 of the DDX41 protein (p.Asp30His). This variant is not present in population databases (gnomAD no frequency). This variant has not been reported in the literature in individuals affected with DDX41-related conditions. An algorithm developed to predict the effect of missense changes on protein structure and function (PolyPhen-2) suggests that this variant is likely to be disruptive. In summary, the available evidence is currently insufficient to determine the role of this variant in disease. Therefore, it has been classified as a Variant of Uncertain Significance.

NM_016222.4(DDX41):c.88G>C (p.Asp30His)

Gene: DDX41 (DEAD-box helicase 41; minus strand). Cytogenetic location: 5q35.3.
Variant type: single nucleotide variant.
Coding change: c.88G>C on transcript NM_016222.4 (MANE Select); coding-DNA position 88, G replaced by C.
Protein change: p.Asp30His; replaces aspartic acid 30 with histidine.
Molecular consequence: missense variant. On other transcripts: 5 prime UTR variant (2).
Genome position (GRCh38, 1-based): chr5:177,516,775, C>G on the plus strand (G>C on the coding strand, the complement: DDX41 is on the minus strand). VCF-style: chr5-177516775-C-G. GRCh37 (hg19) VCF-style: chr5-176943776-C-G.
Other names: c.-568G>C (NM_001321732.2); c.-360G>C (NM_001321830.2); short protein forms D30H.
Identifiers: ClinVar variation 4760806 (VCV004760806.1).